The following is an entry in ClinVar:

ClinVar aggregate classification (germline): Uncertain significance (1 of 4 stars; one submission).

Conditions:
Baller-Gerold syndrome (BGS). Also called: CRANIOSYNOSTOSIS WITH RADIAL DEFECTS. Identifiers: Orphanet 1225, MedGen C0265308, MONDO:0009039, OMIM 218600.

Submission:

Labcorp Genetics (formerly Invitae), Labcorp
Classification: Uncertain significance for Baller-Gerold syndrome. Last evaluated: 2023-05-15. Review status: criteria provided, single submitter. Criteria: Invitae Variant Classification Sherloc (09022015). Collection method: clinical testing. Allele origin: germline.
Comment: In summary, the available evidence is currently insufficient to determine the role of this variant in disease. Therefore, it has been classified as a Variant of Uncertain Significance. Advanced modeling of protein sequence and biophysical properties (such as structural, functional, and spatial information, amino acid conservation, physicochemical variation, residue mobility, and thermodynamic stability) performed at Invitae indicates that this missense variant is expected to disrupt RECQL4 protein function. This variant has not been reported in the literature in individuals affected with RECQL4-related conditions. This variant is not present in population databases (gnomAD no frequency). This sequence change replaces leucine, which is neutral and non-polar, with arginine, which is basic and polar, at codon 787 of the RECQL4 protein (p.Leu787Arg).

NM_004260.4(RECQL4):c.2360T>G (p.Leu787Arg)

Gene: RECQL4 (RecQ like helicase 4; minus strand). Cytogenetic location: 8q24.3.
Variant type: single nucleotide variant.
Coding change: c.2360T>G on transcript NM_004260.4 (MANE Select); coding-DNA position 2360, T replaced by G.
Protein change: p.Leu787Arg; replaces leucine 787 with arginine.
Molecular consequence: missense variant. On other transcripts: non-coding transcript variant (3), intron variant (3).
Genome position (GRCh38, 1-based): chr8:144,513,321, A>C on the plus strand (T>G on the coding strand, the complement: RECQL4 is on the minus strand). VCF-style: chr8-144513321-A-C. GRCh37 (hg19) VCF-style: chr8-145738704-A-C.
Other names: c.2360T>G, p.Leu787Arg (NM_001413019.1, NM_001413036.1); c.2264T>G, p.Leu755Arg (NM_001413020.1); c.1289T>G, p.Leu430Arg (NM_001413021.1, NM_001413022.1, NM_001413023.1 and 5 more transcripts); c.1157T>G, p.Leu386Arg (NM_001413037.1); c.2330T>G, p.Leu777Arg (NM_001413039.1); c.1223T>G, p.Leu408Arg (NM_001413041.1, NM_001413027.1, NM_001413030.1 and 1 more transcripts); c.1259T>G, p.Leu420Arg (NM_001413042.1); c.893T>G, p.Leu298Arg (NM_001413043.1); and 7 more; short protein forms L744R, L755R, L420R, L743R, L787R, L298R, L364R, L386R.
Identifiers: ClinVar variation 2864307 (VCV002864307.3), dbSNP rs760041795, ClinGen allele CA372678285.